The following is an entry in ClinVar:

NM_001042492.3(NF1):c.4252A>T (p.Ile1418Phe)

Gene: NF1 (neurofibromin 1; plus strand). Cytogenetic location: 17q11.2.
Variant type: single nucleotide variant.
Coding change: c.4252A>T on transcript NM_001042492.3 (MANE Select); coding-DNA position 4252, A replaced by T.
Protein change: p.Ile1418Phe; replaces isoleucine 1418 with phenylalanine.
Molecular consequence: missense variant.
Genome position (GRCh38, 1-based): chr17:31,258,422, A>T. VCF-style: chr17-31258422-A-T. GRCh37 (hg19) VCF-style: chr17-29585440-A-T.
Other names: c.4189A>T, p.Ile1397Phe (NM_000267.4); short protein forms I1397F, I1418F.
Identifiers: ClinVar variation 4119085 (VCV004119085.1).

ClinVar aggregate classification (germline): Uncertain significance (1 of 4 stars; one submission).

Conditions:
Cardiovascular phenotype. Identifiers: MedGen CN230736.
Hereditary cancer-predisposing syndrome. Also called: Hereditary neoplastic syndrome; Neoplastic Syndromes, Hereditary; Tumor predisposition; Hereditary Cancer Syndrome. Identifiers: Orphanet 140162, MedGen C0027672, MeSH D009386, MONDO:0015356.

Submission:

Ambry Genetics
Classification: Uncertain significance for Cardiovascular phenotype; Hereditary cancer-predisposing syndrome. Last evaluated: 2025-07-01. Review status: criteria provided, single submitter. Criteria: Ambry Variant Classification Scheme 2023. Collection method: clinical testing. Allele origin: germline.
Comment: The p.I1397F variant (also known as c.4189A>T), located in coding exon 31 of the NF1 gene, results from an A to T substitution at nucleotide position 4189. The isoleucine at codon 1397 is replaced by phenylalanine, an amino acid with highly similar properties. This amino acid position is conserved. In addition, this alteration is predicted to be deleterious by in silico analysis. Based on the available evidence, the clinical significance of this variant remains unclear.